The following is an entry in ClinVar:

Single allele

Variant type: Duplication.
Genome position: GRCh38: chr20:60,381,103-60,387,318. GRCh37 (hg19): chr20:58,956,161-58,962,376.
Identifiers: ClinVar variation 157465 (VCV000157465.2).

ClinVar aggregate classification (germline): not provided (0 of 4 stars; one submission).

Conditions:
Preeclampsia. Identifiers: Orphanet 275555, MedGen C0032914, MONDO:0005081, HP:0100602.

Submission:

Institute of Molecular and Cell Biology, University of Tartu
No classification provided. Condition: Preeclampsia. Review status: no classification provided. Collection method: case-control. Allele origin: unknown. Affected: yes. Study: Kasak2014.
Comment: The study aimed to determine the contribution of copy number variants in the genetic etiology of normal and complicated pregnancies. The samples represented (i) maternal blood DNA drawn from healthy pregnant women during 1st or 2nd trimester and (ii) maternal and paternal blood DNA drawn at term pregnancy cases representing normal and complicated gestations (severe preeclampsia, PE; gestational diabetes, GD; small-for-gestational age newborn, SGA; large-for-gestational age newborn, LGA). We performed CNV calling based on genome-wide genotyping dataset (Illumina HumanOmniExpress-24-v1 BeadChip) by applying three algorithms, QuantiSNP, GADA (Genome Alteration Detection Algorithm) and CNstream in parallel. The acquired CNV calls were merged with HD-CNV (Hotspot Detector for Copy Number Variants) program and only the CNVs predicted by at least two programs, were considered in subsequent analysis.

Literature cited by the submitters: PubMed 25666259.